The following is an entry in ClinVar:

ClinVar aggregate classification (germline): Likely pathogenic (1 of 4 stars; one submission).

Conditions:
Alagille syndrome due to a JAG1 point mutation. Also called: JAG1-Related Alagille Syndrome; HEPATIC DUCTULAR HYPOPLASIA, SYNDROMATIC; Alagille Syndrome 1. Identifiers: Orphanet 261619, Orphanet 52, MedGen C1956125, MONDO:0016862, OMIM 118450.

Submission:

3billion
Classification: Likely pathogenic for Alagille syndrome due to a JAG1 point mutation. Last evaluated: 2022-01-03. Review status: criteria provided, single submitter. Criteria: ACMG Guidelines, 2015. Collection method: clinical testing. Allele origin: germline. Affected: yes. Observed: 1 heterozygote.
Comment: Frameshift: predicted to result in a loss or disruption of normal protein function through nonsense-mediated decay (NMD) or protein truncation. Multiple pathogenic variants are reported downstream of the variant (PVS1_VS). It is not observed in the gnomAD v2.1.1 dataset (PM2_M). Therefore, this variant is classified as likely pathogenic according to the recommendation of ACMG/AMP guideline.

NM_000214.3(JAG1):c.2931del (p.Glu977fs)

Gene: JAG1 (jagged canonical Notch ligand 1; minus strand). Cytogenetic location: 20p12.2.
Variant type: Deletion.
Coding change: c.2931del on transcript NM_000214.3 (MANE Select); coding-DNA position 2931, one base deleted (G; older notation c.2931delG).
Protein change: p.Glu977fs; shifts the reading frame from glutamic acid 977.
Molecular consequence: frameshift variant.
Genome position (GRCh38, 1-based): chr20:10,641,230, C deleted on the plus strand (G on the coding strand, the reverse complement: JAG1 is on the minus strand). VCF-style (leftmost placement, unchanged base first): chr20-10641229-GC-G. GRCh37 (hg19) VCF-style: chr20-10621877-GC-G.
Other names: short protein forms E977fs.
Identifiers: ClinVar variation 1333547 (VCV001333547.1), dbSNP rs2122595901, ClinGen allele CA2573054853.